The following is an entry in ClinVar:

ClinVar aggregate classification (germline): Conflicting classifications of pathogenicity. Review status: criteria provided, conflicting classifications (1 of 4 stars). 2 submissions from 2 submitters: Uncertain significance (1); Likely benign (1). Last evaluated 2023-10-13.

Conditions:
AHDC1-related disorder. Also called: AHDC1-related condition.

Allele frequency attached by ClinVar (database versions not stated): gnomAD 0.00002.
gnomAD v4.1: 94 of 1,565,946 alleles (0.006%); highest among the groups gnomAD compares: Non-Finnish European, 0.008%; no homozygotes.

Submissions (2):

Labcorp Genetics (formerly Invitae), Labcorp
Classification: Likely benign. Last evaluated: 2023-10-13. Review status: criteria provided, single submitter. Criteria: Invitae Variant Classification Sherloc (09022015). Collection method: clinical testing. Allele origin: germline.

PreventionGenetics, part of Exact Sciences
Classification: Uncertain significance for AHDC1-related condition. Last evaluated: 2022-11-24. Review status: criteria provided, single submitter. Criteria: ACMG Guidelines, 2015. Collection method: clinical testing. Allele origin: germline.
Comment: The AHDC1 c.3052G>A variant is predicted to result in the amino acid substitution p.Ala1018Thr. To our knowledge, this variant has not been reported in the literature. This variant is reported in 0.0010% of alleles in individuals of European (Non-Finnish) descent in gnomAD. At this time, the clinical significance of this variant is uncertain due to the absence of conclusive functional and genetic evidence.

NM_001371928.1(AHDC1):c.3052G>A (p.Ala1018Thr)

Gene: AHDC1 (AT-hook DNA binding motif containing 1; minus strand). Cytogenetic location: 1p36.11.
Variant type: single nucleotide variant.
Coding change: c.3052G>A on transcript NM_001371928.1 (MANE Select); coding-DNA position 3052, G replaced by A.
Protein change: p.Ala1018Thr; replaces alanine 1018 with threonine.
Molecular consequence: missense variant.
Genome position (GRCh38, 1-based): chr1:27,549,064, C>T on the plus strand (G>A on the coding strand, the complement: AHDC1 is on the minus strand). VCF-style: chr1-27549064-C-T. GRCh37 (hg19) VCF-style: chr1-27875575-C-T.
Other names: c.3052G>A, p.Ala1018Thr (NM_001029882.3); short protein forms A1018T.
Identifiers: ClinVar variation 2636689 (VCV002636689.4), dbSNP rs751537617, ClinGen allele CA715637.
Genomic context (GRCh38, chr1:27,549,064, plus strand): 5'-AGAAGGAGGCCTTGCTTGGTGGCAGGCAGGGGCCCCCGGTAGGCGGTGGGGCATAGCCGG[C>T]GCTGTGGGCGCTGCTGGGTGAGGCAGGGAGGCTGTTGCCACTGCCATAGGCGAAGCTGCA-3'
Protein context (NP_001358857.1, residues 1008-1028): LPASPSSAHS[Ala1018Thr]GYAPPPTGGP